The following is an entry in ClinVar:

ClinVar aggregate classification (germline): Uncertain significance. Review status: criteria provided, multiple submitters, no conflicts (2 of 4 stars). 2 submissions from 2 submitters: Uncertain significance (2). Last evaluated 2026-01-24.

Conditions:
Ellis-van Creveld syndrome (EVC). Also called: EVC-Related Ellis-van Creveld Syndrome; EVC2-Related Ellis-van Creveld Syndrome; Chondroectodermal dysplasia; MESOECTODERMAL DYSPLASIA. Identifiers: Orphanet 289, MedGen C0013903, MONDO:0009162, OMIM 225500.
Curry-Hall syndrome (WAD). Also called: WEYERS ACRODENTAL DYSOSTOSIS. Identifiers: Orphanet 952, MedGen C0457013, MONDO:0008673, OMIM 193530.

Allele frequency attached by ClinVar (database versions not stated): gnomAD below 0.00001 and 0.00001; gnomAD exomes 0.00001 and 0.00002; ExAC 0.00002; TOPMed 0.00003.
gnomAD v4.1: 18 of 1,613,728 alleles (0.0011%); highest among the groups gnomAD compares: Admixed American, 0.0083%; no homozygotes.

Submissions (2):

Labcorp Genetics (formerly Invitae), Labcorp
Classification: Uncertain significance for Curry-Hall syndrome; Ellis-van Creveld syndrome. Last evaluated: 2026-01-24. Review status: criteria provided, single submitter. Criteria: Invitae Variant Classification Sherloc (09022015). Collection method: clinical testing. Allele origin: germline.
Comment: This sequence change replaces alanine, which is neutral and non-polar, with threonine, which is neutral and polar, at codon 987 of the EVC2 protein (p.Ala987Thr). This variant is present in population databases (rs750392808, gnomAD 0.009%). This variant has not been reported in the literature in individuals affected with EVC2-related conditions. ClinVar contains an entry for this variant (Variation ID: 1027773). An algorithm developed to predict the effect of missense changes on protein structure and function outputs the following: PolyPhen-2: "Possibly Damaging". The threonine amino acid residue is found in multiple mammalian species, which suggests that this missense change does not adversely affect protein function. In summary, the available evidence is currently insufficient to determine the role of this variant in disease. Therefore, it has been classified as a Variant of Uncertain Significance.

Baylor Genetics
Classification: Uncertain significance for Ellis-van Creveld syndrome. Last evaluated: 2019-07-24. Review status: criteria provided, single submitter. Criteria: ACMG Guidelines, 2015. Collection method: clinical testing. Allele origin: unknown. Affected: yes.
Comment: This variant was determined to be of uncertain significance according to ACMG Guidelines, 2015 [PMID:25741868].

NM_147127.5(EVC2):c.2959G>A (p.Ala987Thr)

Gene: EVC2 (EvC ciliary complex subunit 2; minus strand). Cytogenetic location: 4p16.2.
Variant type: single nucleotide variant.
Coding change: c.2959G>A on transcript NM_147127.5 (MANE Select); coding-DNA position 2959, G replaced by A.
Protein change: p.Ala987Thr; replaces alanine 987 with threonine.
Molecular consequence: missense variant.
Genome position (GRCh38, 1-based): chr4:5,584,721, C>T on the plus strand (G>A on the coding strand, the complement: EVC2 is on the minus strand). VCF-style: chr4-5584721-C-T. GRCh37 (hg19) VCF-style: chr4-5586448-C-T.
Other names: c.2719G>A, p.Ala907Thr (NM_001166136.2); short protein forms A907T, A987T.
Identifiers: ClinVar variation 1027773 (VCV001027773.3), dbSNP rs750392808, ClinGen allele CA2834503.
Genomic context (GRCh38, chr4:5,584,721, plus strand): 5'-TGGTCAGCATCTCAGATGCACTCAGCTCTTCCAGGAGCAAGTCCTGGATGCTGAGGAGGG[C>T]GGTGTAGGCCGACAGAGTCTCGGTCACCCGGGACGCCTTCTGGAACTGCAGAGCAACAAG-3'
Protein context (NP_667338.3, residues 977-997): RVTETLSAYT[Ala987Thr]LLSIQDLLLE